The following is an entry in ClinVar:

ClinVar aggregate classification (germline): Uncertain significance (1 of 4 stars; one submission).

Conditions:
Malignant hyperthermia, susceptibility to, 5 (MHS5). Also called: CACNA1S-Related Malignant Hyperthermia Susceptibility. Identifiers: Orphanet 423, MedGen C1866077, MONDO:0011163, OMIM 601887.
Hypokalemic periodic paralysis, type 1. Also called: Hypokalemic Periodic Paralysis Type 1 (AD); HypoPP. Identifiers: Orphanet 681, MedGen C3714580, MONDO:0042979, OMIM 170400.

Submission:

Labcorp Genetics (formerly Invitae), Labcorp
Classification: Uncertain significance for Hypokalemic periodic paralysis, type 1; Malignant hyperthermia, susceptibility to, 5. Last evaluated: 2024-02-07. Review status: criteria provided, single submitter. Criteria: Invitae Variant Classification Sherloc (09022015). Collection method: clinical testing. Allele origin: germline.
Comment: This sequence change replaces tyrosine, which is neutral and polar, with histidine, which is basic and polar, at codon 91 of the CACNA1S protein (p.Tyr91His). This variant is not present in population databases (gnomAD no frequency). This variant has not been reported in the literature in individuals affected with CACNA1S-related conditions. Advanced modeling of protein sequence and biophysical properties (such as structural, functional, and spatial information, amino acid conservation, physicochemical variation, residue mobility, and thermodynamic stability) performed at Invitae indicates that this missense variant is not expected to disrupt CACNA1S protein function with a negative predictive value of 80%. In summary, the available evidence is currently insufficient to determine the role of this variant in disease. Therefore, it has been classified as a Variant of Uncertain Significance.

NM_000069.3(CACNA1S):c.271T>C (p.Tyr91His)

Gene: CACNA1S (calcium voltage-gated channel subunit alpha1 S; minus strand). Cytogenetic location: 1q32.1.
Variant type: single nucleotide variant.
Coding change: c.271T>C on transcript NM_000069.3 (MANE Select); coding-DNA position 271, T replaced by C.
Protein change: p.Tyr91His; replaces tyrosine 91 with histidine.
Molecular consequence: missense variant.
Genome position (GRCh38, 1-based): chr1:201,094,009, A>G on the plus strand (T>C on the coding strand, the complement: CACNA1S is on the minus strand). VCF-style: chr1-201094009-A-G. GRCh37 (hg19) VCF-style: chr1-201063137-A-G.
Other names: short protein forms Y91H.
Identifiers: ClinVar variation 2923838 (VCV002923838.3), dbSNP rs1572064231, ClinGen allele CA344145961.